The following is an entry in ClinVar:

ClinVar aggregate classification (germline): Uncertain significance. Review status: criteria provided, multiple submitters, no conflicts (2 of 4 stars). 2 submissions from 2 submitters: Uncertain significance (2). Last evaluated 2025-12-04.

Conditions:
Hereditary cancer-predisposing syndrome. Also called: Neoplastic Syndromes, Hereditary; Tumor predisposition; Hereditary Cancer Syndrome; Hereditary neoplastic syndrome. Identifiers: Orphanet 140162, MedGen C0027672, MeSH D009386, MONDO:0015356.

Submissions (2):

Ambry Genetics
Classification: Uncertain significance for Hereditary cancer-predisposing syndrome. Last evaluated: 2025-12-04. Review status: criteria provided, single submitter. Criteria: Ambry Variant Classification Scheme 2023. Collection method: clinical testing. Allele origin: germline.

Labcorp Genetics (formerly Invitae), Labcorp
Classification: Uncertain significance. Last evaluated: 2025-10-25. Review status: criteria provided, single submitter. Criteria: Invitae Variant Classification Sherloc (09022015). Collection method: clinical testing. Allele origin: germline.
Comment: This sequence change replaces serine, which is neutral and polar, with glycine, which is neutral and non-polar, at codon 284 of the MSH3 protein (p.Ser284Gly). This variant is not present in population databases (gnomAD no frequency). This variant has not been reported in the literature in individuals affected with MSH3-related conditions. ClinVar contains an entry for this variant (Variation ID: 1763673). An algorithm developed to predict the effect of missense changes on protein structure and function (PolyPhen-2) suggests that this variant is likely to be disruptive. In summary, the available evidence is currently insufficient to determine the role of this variant in disease. Therefore, it has been classified as a Variant of Uncertain Significance.

NM_002439.5(MSH3):c.850A>G (p.Ser284Gly)

Gene: MSH3 (mutS homolog 3; plus strand). Cytogenetic location: 5q14.1.
Variant type: single nucleotide variant.
Coding change: c.850A>G on transcript NM_002439.5 (MANE Select); coding-DNA position 850, A replaced by G.
Protein change: p.Ser284Gly; replaces serine 284 with glycine.
Molecular consequence: missense variant.
Genome position (GRCh38, 1-based): chr5:80,672,301, A>G. VCF-style: chr5-80672301-A-G. GRCh37 (hg19) VCF-style: chr5-79968120-A-G.
Other names: short protein forms S284G.
Identifiers: ClinVar variation 1763673 (VCV001763673.10), dbSNP rs1340481317, ClinGen allele CA360267176.